The following is an entry in ClinVar:

NM_000238.4(KCNH2):c.2804C>T (p.Pro935Leu)

Gene: KCNH2 (potassium voltage-gated channel subfamily H member 2; minus strand). Cytogenetic location: 7q36.1.
Variant type: single nucleotide variant.
Coding change: c.2804C>T on transcript NM_000238.4 (MANE Select); coding-DNA position 2804, C replaced by T.
Protein change: p.Pro935Leu; replaces proline 935 with leucine.
Molecular consequence: missense variant.
Genome position (GRCh38, 1-based): chr7:150,947,767, G>A on the plus strand (C>T on the coding strand, the complement: KCNH2 is on the minus strand). VCF-style: chr7-150947767-G-A. GRCh37 (hg19) VCF-style: chr7-150644855-G-A.
Other names: c.2516C>T, p.Pro839Leu (NM_001406753.1); c.1784C>T, p.Pro595Leu (NM_172057.3); short protein forms P839L, P595L, P935L.
Identifiers: ClinVar variation 1796247 (VCV001796247.3), dbSNP rs2486007592, ClinGen allele CA369853367.
Genomic context (GRCh38, chr7:150,947,767, plus strand): 5'-AGGCGGAGGGGGCTGGAGCTGCGGCCTGGGCCCTCATCCTCACTGCTCTCAGGGCTGGAG[G>A]GGCCACTGGACGGGCTCTCCCCCCACGGCCCCCCCGGCCGGCCCCGGCTACTCGGCCCTG-3'
Protein context (NP_000229.1, residues 925-945): GPWGESPSSG[Pro935Leu]SSPESSEDEG

ClinVar aggregate classification (germline): Uncertain significance. Review status: criteria provided, multiple submitters, no conflicts (2 of 4 stars). 2 submissions from 2 submitters: Uncertain significance (2). Last evaluated 2024-03-05.

Conditions:
Long QT syndrome (LQTS). Identifiers: MedGen C0023976, MeSH D008133, MONDO:0002442. Disease mechanism: loss of function. Inheritance: Various modes of inheritance.
Cardiovascular phenotype. Identifiers: MedGen CN230736.

gnomAD v4.1: 1 of 1,540,570 alleles (0.000065%); highest among the groups gnomAD compares: South Asian, 0.0012%; no homozygotes.

Submissions (2):

All of Us Research Program, National Institutes of Health
Classification: Uncertain significance for Long QT syndrome. Last evaluated: 2024-03-05. Review status: criteria provided, single submitter. Criteria: ACMG Guidelines, 2015. Collection method: clinical testing. Allele origin: germline. Inheritance: Autosomal dominant inheritance. Observed: 1 variant allele, 1 heterozygote.
Comment: This study involves interpretation of variants in research participants for the purpose of population health screening. Participant phenotype was not available at the time of variant classification. Additional details can be found in publication PMID: 35346344, PMCID: PMC8962531

Ambry Genetics
Classification: Uncertain significance for Cardiovascular phenotype. Last evaluated: 2020-03-16. Review status: criteria provided, single submitter. Criteria: Ambry Variant Classification Scheme 2023. Collection method: clinical testing. Allele origin: germline.
Comment: The p.P935L variant (also known as c.2804C>T), located in coding exon 12 of the KCNH2 gene, results from a C to T substitution at nucleotide position 2804. The proline at codon 935 is replaced by leucine, an amino acid with similar properties. This amino acid position is highly conserved in available vertebrate species. In addition, this alteration is predicted to be deleterious by in silico analysis. Since supporting evidence is limited at this time, the clinical significance of this alteration remains unclear.